The following is an entry in ClinVar:

NM_001367943.1(TCF7L2):c.348C>T (p.Leu116=)

Gene: TCF7L2 (transcription factor 7 like 2; plus strand). Cytogenetic location: 10q25.2.
Variant type: single nucleotide variant.
Coding change: c.348C>T on transcript NM_001367943.1 (MANE Select); coding-DNA position 348, C replaced by T.
Protein change: p.Leu116=; no amino-acid change (leucine 116 retained).
Molecular consequence: synonymous variant.
Genome position (GRCh38, 1-based): chr10:112,951,574, C>T. VCF-style: chr10-112951574-C-T. GRCh37 (hg19) VCF-style: chr10-114711333-C-T.
Other names: c.348C>T, p.Leu116= (NM_001146274.2, NM_001146283.2, NM_001146284.2 and 11 more transcripts).
Identifiers: ClinVar variation 770593 (VCV000770593.29), dbSNP rs143305771, ClinGen allele CA5692777.

ClinVar aggregate classification (germline): Benign/Likely benign. Review status: criteria provided, multiple submitters, no conflicts (2 of 4 stars). 3 submissions from 3 submitters: Benign (2); Likely benign (1). Last evaluated 2026-09-01.

Allele frequency attached by ClinVar (database versions not stated): ESP Exome Variant Server 0.00161; gnomAD 0.00172 and 0.00191; TOPMed 0.00208; gnomAD exomes 0.00239 and 0.00246; 1000 Genomes Project 0.00240; 1000 Genomes Project 30x 0.00265; ExAC 0.00269.
gnomAD v4.1: 3,231 of 1,372,036 alleles (0.24%); highest among the groups gnomAD compares: Middle Eastern, 1%; 11 homozygotes.

Submissions (3):

CeGaT Center for Human Genetics Tuebingen
Classification: Likely benign. Last evaluated: 2026-09-01. Review status: criteria provided, single submitter. Criteria: CeGaT Center For Human Genetics Tuebingen Variant Classification Criteria Version 2. Collection method: clinical testing. Allele origin: germline. Affected: yes. Observed: 9 variant alleles.
Comment: TCF7L2: BP4, BP7, BS1

Labcorp Genetics (formerly Invitae), Labcorp
Classification: Benign. Last evaluated: 2019-12-31. Review status: criteria provided, single submitter. Criteria: Invitae Variant Classification Sherloc (09022015). Collection method: clinical testing. Allele origin: germline.

Breakthrough Genomics
Classification: Benign. Review status: criteria provided, single submitter. Criteria: ACMG Guidelines, 2015. Collection method: not provided. Allele origin: germline. Inheritance: Autosomal dominant inheritance. Affected: yes.